The following is an entry in ClinVar:

NM_153006.3(NAGS):c.1392_1393delinsTAT (p.Arg465fs)

Gene: NAGS (N-acetylglutamate synthase; plus strand). Cytogenetic location: 17q21.31.
Variant type: Indel.
Coding change: c.1392_1393delinsTAT on transcript NM_153006.3 (MANE Select); coding-DNA positions 1392 to 1393, GC replaced by TAT.
Protein change: p.Arg465fs; shifts the reading frame from arginine 465.
Molecular consequence: frameshift variant.
Genome position (GRCh38, 1-based): chr17:44,007,714-44,007,715, GC replaced by TAT. VCF-style: chr17-44007714-GC-TAT. GRCh37 (hg19) VCF-style: chr17-42085082-GC-TAT.
Other names: short protein forms R465fs.
Identifiers: ClinVar variation 4816900 (VCV004816900.1).

ClinVar aggregate classification (germline): Likely pathogenic (1 of 4 stars; one submission).

Conditions:
Hyperammonemia, type III (NAGSD). Also called: Hyperammonemia due to N-acetylglutamate synthase deficiency. Identifiers: Orphanet 927, MedGen C0268543, MONDO:0009377, OMIM 237310.

Submission:

Natera, Inc.
Classification: Likely pathogenic for Hyperammonemia type III. Last evaluated: 2025-03-09. Review status: criteria provided, single submitter. Criteria: Natera Variant Classification Schema (03/2026). Collection method: clinical testing. Allele origin: germline.
Comment: The c.1392_1393delinsTAT variant in NAGS is a frameshift variant predicted to shift the reading frame beginning at codon 465 and leads to a stop codon 26 codons downstream. This variant is expected to result in nonsense mediated decay, truncation, or a dysfunctional protein product. This variant is rare in the general population with a frequency below the threshold expected for the associated phenotype(s). Given the available evidence, this variant is classified as Likely Pathogenic.